The following is an entry in ClinVar:

NM_032638.5(GATA2):c.179A>G (p.Tyr60Cys)

Gene: GATA2 (GATA binding protein 2; minus strand). Cytogenetic location: 3q21.3.
Variant type: single nucleotide variant.
Coding change: c.179A>G on transcript NM_032638.5 (MANE Select); coding-DNA position 179, A replaced by G.
Protein change: p.Tyr60Cys; replaces tyrosine 60 with cysteine.
Molecular consequence: missense variant.
Genome position (GRCh38, 1-based): chr3:128,486,853, T>C on the plus strand (A>G on the coding strand, the complement: GATA2 is on the minus strand). VCF-style: chr3-128486853-T-C. GRCh37 (hg19) VCF-style: chr3-128205696-T-C.
Other names: c.179A>G, p.Tyr60Cys (NM_001145661.2, NM_001145662.1); short protein forms Y60C.
Identifiers: ClinVar variation 968738 (VCV000968738.9), dbSNP rs750003894, ClinGen allele CA354408436.

ClinVar aggregate classification (germline): Uncertain significance (1 of 4 stars; one submission).

Conditions:
Monocytopenia with susceptibility to infections. Also called: IMMUNODEFICIENCY 21; GATA2 DEFICIENCY; MONOCYTOPENIA AND MYCOBACTERIAL INFECTION SYNDROME; MONOCYTOPENIA WITH SUSCEPTIBILITY TO MYCOBACTERIAL, FUNGAL, AND PAPILLOMAVIRUS INFECTIONS AND MYELODYSPLASIA; COMBINED IMMUNODEFICIENCY WITH SUSCEPTIBILITY TO MYCOBACTERIAL, VIRAL, AND FUNGAL INFECTIONS; Dendritic cell, monocyte, B lymphocyte, and natural killer lymphocyte deficiency. Identifiers: Orphanet 228423, MedGen C3280030, MONDO:0013607, OMIM 614172.
Deafness-lymphedema-leukemia syndrome. Also called: Emberger syndrome; Lymphedema, primary, with myelodysplasia. Identifiers: Orphanet 3226, MedGen C3279664, MONDO:0013540, OMIM 614038.

Submission:

Labcorp Genetics (formerly Invitae), Labcorp
Classification: Uncertain significance for Monocytopenia with susceptibility to infections; Deafness-lymphedema-leukemia syndrome. Last evaluated: 2025-10-27. Review status: criteria provided, single submitter. Criteria: Invitae Variant Classification Sherloc (09022015). Collection method: clinical testing. Allele origin: germline.
Comment: This sequence change replaces tyrosine, which is neutral and polar, with cysteine, which is neutral and slightly polar, at codon 60 of the GATA2 protein (p.Tyr60Cys). This variant is not present in population databases (gnomAD no frequency). This variant has not been reported in the literature in individuals affected with GATA2-related conditions. ClinVar contains an entry for this variant (Variation ID: 968738). Invitae Evidence Modeling of protein sequence and biophysical properties (such as structural, functional, and spatial information, amino acid conservation, physicochemical variation, residue mobility, and thermodynamic stability) has been performed for this missense variant. However, the output from this modeling did not meet the statistical confidence thresholds required to predict the impact of this variant on GATA2 protein function. In summary, the available evidence is currently insufficient to determine the role of this variant in disease. Therefore, it has been classified as a Variant of Uncertain Significance.